The following is an entry in ClinVar:

NM_000038.6(APC):c.1114A>G (p.Asn372Asp)

Gene: APC (APC regulator of Wnt signaling pathway; plus strand). Cytogenetic location: 5q22.2.
Variant type: single nucleotide variant.
Coding change: c.1114A>G on transcript NM_000038.6 (MANE Select); coding-DNA position 1114, A replaced by G.
Protein change: p.Asn372Asp; replaces asparagine 372 with aspartic acid.
Molecular consequence: missense variant. On other transcripts: intron variant (4).
Genome position (GRCh38, 1-based): chr5:112,819,146, A>G. VCF-style: chr5-112819146-A-G. GRCh37 (hg19) VCF-style: chr5-112154843-A-G.
Other names: c.1114A>G, p.Asn372Asp (NM_001127510.3, NM_001354895.2, NM_001354896.2); c.1060A>G, p.Asn354Asp (NM_001127511.3); c.1144A>G, p.Asn382Asp (NM_001354897.2); c.1039A>G, p.Asn347Asp (NM_001354898.2); c.1030A>G, p.Asn344Asp (NM_001354899.2); c.937A>G, p.Asn313Asp (NM_001354900.2, NM_001354901.2); c.265A>G, p.Asn89Asp (NM_001354906.2); c.964-123A>G (NM_001354902.2); and 3 more; short protein forms N354D, N372D, N313D, N347D, N382D, N344D, N89D.
Identifiers: ClinVar variation 216148 (VCV000216148.17), dbSNP rs201478136, ClinGen allele CA026723.
Genomic context (GRCh38, chr5:112,819,146, plus strand): 5'-TGTCTTCCTCTCCTCATCCAGCTTTTACATGGCAATGACAAAGACTCTGTATTGTTGGGA[A>G]ATTCCCGGGGCAGTAAAGAGGCTCGGGCCAGGGCCAGTGCAGCACTCCACAACATCATTC-3'
Protein context (NP_000029.2, residues 362-382): GNDKDSVLLG[Asn372Asp]SRGSKEARAR

ClinVar aggregate classification (germline): Conflicting classifications of pathogenicity. Review status: criteria provided, conflicting classifications (1 of 4 stars). 6 submissions from 6 submitters: Uncertain significance (1); Benign (1); Likely benign (4). Last evaluated 2025-12-03.

Conditions:
APC-related disorder. Also called: APC-related condition.
Hereditary cancer-predisposing syndrome. Also called: Neoplastic Syndromes, Hereditary; Tumor predisposition; Hereditary Cancer Syndrome; Hereditary neoplastic syndrome. Identifiers: Orphanet 140162, MedGen C0027672, MeSH D009386, MONDO:0015356.
Familial adenomatous polyposis 1 (FAP1). Also called: FAMILIAL ADENOMATOUS POLYPOSIS 1, ATTENUATED; POLYPOSIS, ADENOMATOUS INTESTINAL. Identifiers: MedGen C2713442, MONDO:0021056, OMIM 175100. Disease mechanism: loss of function.

Allele frequency attached by ClinVar (database versions not stated): TOPMed 0.00001; gnomAD 0.00003; gnomAD exomes 0.00003; ExAC 0.00004; 1000 Genomes Project 30x 0.00016; 1000 Genomes Project 0.00020.
gnomAD v4.1: 12 of 1,614,084 alleles (0.00074%); highest among the groups gnomAD compares: East Asian, 0.02%; no homozygotes.

Submissions (6):

Labcorp Genetics (formerly Invitae), Labcorp
Classification: Likely benign for Familial adenomatous polyposis 1. Last evaluated: 2025-12-03. Review status: criteria provided, single submitter. Criteria: Invitae Variant Classification Sherloc (09022015). Collection method: clinical testing. Allele origin: germline.

PreventionGenetics, part of Exact Sciences
Classification: Likely benign for APC-related condition. Last evaluated: 2025-06-23. Review status: criteria provided, single submitter. Criteria: ACMG Guidelines, 2015. Collection method: clinical testing. Allele origin: germline.
Comment: This variant is classified as likely benign based on ACMG/AMP sequence variant interpretation guidelines (Richards et al. 2015 PMID: 25741868, with internal and published modifications).

Myriad Genetics, Inc.
Classification: Likely benign for Familial adenomatous polyposis 1. Last evaluated: 2025-01-27. Review status: criteria provided, single submitter. Criteria: Myriad Autosomal Dominant, Autosomal Recessive and X-Linked Classification Criteria (2023). Collection method: clinical testing. Allele origin: unknown.
Comment: This variant is considered likely benign. This variant has been observed at a population frequency that is significantly greater than expected given the associated disease prevalence and penetrance.

Ambry Genetics
Classification: Benign for Hereditary cancer-predisposing syndrome. Last evaluated: 2023-01-07. Review status: criteria provided, single submitter. Criteria: Ambry Variant Classification Scheme 2023. Collection method: clinical testing. Allele origin: germline.

GeneDx
Classification: Uncertain significance. Last evaluated: 2022-06-17. Review status: criteria provided, single submitter. Criteria: GeneDx Variant Classification Process June 2021. Collection method: clinical testing. Allele origin: germline. Affected: yes.
Comment: In silico analysis supports that this missense variant does not alter protein structure/function; Observed in an individual with breast cancer (Chan 2018); This variant is associated with the following publications: (PMID: 30093976)

Color Diagnostics, LLC DBA Color Health
Classification: Likely benign for Hereditary cancer-predisposing syndrome. Last evaluated: 2020-01-23. Review status: criteria provided, single submitter. Criteria: ACMG Guidelines, 2015. Collection method: clinical testing. Allele origin: germline.

Literature cited by the submitters: PubMed 30093976 (cited by Ambry Genetics).